The following is an entry in ClinVar:

NM_001184.4(ATR):c.21G>T (p.Glu7Asp)

Gene: ATR (ATR checkpoint kinase; minus strand). Cytogenetic location: 3q23.
Variant type: single nucleotide variant.
Coding change: c.21G>T on transcript NM_001184.4 (MANE Select); coding-DNA position 21, G replaced by T.
Protein change: p.Glu7Asp; replaces glutamic acid 7 with aspartic acid.
Molecular consequence: missense variant.
Genome position (GRCh38, 1-based): chr3:142,578,684, C>A on the plus strand (G>T on the coding strand, the complement: ATR is on the minus strand). VCF-style: chr3-142578684-C-A. GRCh37 (hg19) VCF-style: chr3-142297526-C-A.
Other names: c.21G>T, p.Glu7Asp (NM_001354579.2); short protein forms E7D.
Identifiers: ClinVar variation 1787619 (VCV001787619.2), dbSNP rs773111202, ClinGen allele CA354795847.

ClinVar aggregate classification (germline): Uncertain significance (1 of 4 stars; one submission).

Conditions:
Inborn genetic diseases. Identifiers: MedGen C0950123, MeSH D030342.

Submission:

Ambry Genetics
Classification: Uncertain significance for Inborn genetic diseases. Last evaluated: 2022-10-04. Review status: criteria provided, single submitter. Criteria: Ambry Variant Classification Scheme 2023. Collection method: clinical testing. Allele origin: germline.
Comment: The p.E7D variant (also known as c.21G>T), located in coding exon 1 of the ATR gene, results from a G to T substitution at nucleotide position 21. The glutamic acid at codon 7 is replaced by aspartic acid, an amino acid with highly similar properties. This amino acid position is conserved. In addition, this alteration is predicted to be tolerated by in silico analysis. Since supporting evidence is limited at this time, the clinical significance of this alteration remains unclear.